The following is an entry in ClinVar:

NM_025243.4(SLC19A3):c.*499C>T

Gene: SLC19A3 (solute carrier family 19 member 3; minus strand). Cytogenetic location: 2q36.3.
Variant type: single nucleotide variant.
Coding change: c.*499C>T on transcript NM_025243.4 (MANE Select); 499 bases downstream of the stop codon, C replaced by T.
Molecular consequence: 3 prime UTR variant.
Genome position (GRCh38, 1-based): chr2:227,686,898, G>A on the plus strand (C>T on the coding strand, the complement: SLC19A3 is on the minus strand). VCF-style: chr2-227686898-G-A. GRCh37 (hg19) VCF-style: chr2-228551614-G-A.
Identifiers: ClinVar variation 334868 (VCV000334868.5), dbSNP rs182183617, ClinGen allele CA10613072.
Genomic context (GRCh38, chr2:227,686,898, plus strand): 5'-ATTAGAGTTGAAGAGAAGCCCTTAGAAATGGGACAAACATTGTAATTCTCTTAGAGAACT[G>A]TAACTTAAACAGAAATACACTTAATAGAAGAGGAAAGAAAATGGTTCATGTGACACAAAG-3'

ClinVar aggregate classification (germline): Likely benign (1 of 4 stars; one submission).

Conditions:
Biotin-responsive basal ganglia disease (BTBGD). Also called: Thiamine Transporter-2 Deficiency; THIAMINE METABOLISM DYSFUNCTION SYNDROME 2 (BIOTIN- AND THIAMINE-RESPONSIVE TYPE); Thiamine metabolism dysfunction syndrome type 2; Thiamine metabolism dysfunction syndrome 2 (biotin- or thiamine-responsive encephalopathy type 2); thiamine-responsive encephalopathy. Identifiers: Orphanet 199348, Orphanet 65284, MedGen C1843807, MONDO:0011841, OMIM 607483.

Allele frequency attached by ClinVar (database versions not stated): 1000 Genomes Project 0.00080; 1000 Genomes Project 30x 0.00094; gnomAD 0.00120 and 0.00127; TOPMed 0.00187.

Submission:

Illumina Laboratory Services, Illumina
Classification: Likely benign for Biotin-responsive basal ganglia disease. Last evaluated: 2018-01-13. Review status: criteria provided, single submitter. Criteria: ICSL Variant Classification Criteria 13 December 2019. Collection method: clinical testing. Allele origin: germline.
Comment: This variant was observed in the ICSL laboratory as part of a predisposition screen in an ostensibly healthy population. It had not been previously curated by ICSL or reported in the Human Gene Mutation Database (HGMD: prior to June 1st, 2018), and was therefore a candidate for classification through an automated scoring system. Utilizing variant allele frequency, disease prevalence and penetrance estimates, and inheritance mode, an automated score was calculated to assess if this variant is too frequent to cause the disease. Based on the score and internal cut-off values, a variant classified as likely benign is not then subjected to further curation. The score for this variant resulted in a classification of likely benign for this disease.